The following is an entry in ClinVar:

ClinVar aggregate classification (germline): Likely pathogenic (1 of 4 stars; one submission).

Conditions:
Fanconi anemia (FA). Also called: Fanconi's anemia. Identifiers: Orphanet 84, MedGen C0015625, MeSH D005199, MONDO:0019391.

Submission:

Labcorp Genetics (formerly Invitae), Labcorp
Classification: Likely pathogenic for Fanconi anemia. Last evaluated: 2022-10-03. Review status: criteria provided, single submitter. Criteria: Invitae Variant Classification Sherloc (09022015). Collection method: clinical testing. Allele origin: germline.
Comment: This variant is not present in population databases (gnomAD no frequency). This variant has not been reported in the literature in individuals affected with SLX4-related conditions. Algorithms developed to predict the effect of sequence changes on RNA splicing suggest that this variant may disrupt the consensus splice site. In summary, the currently available evidence indicates that the variant is pathogenic, but additional data are needed to prove that conclusively. Therefore, this variant has been classified as Likely Pathogenic. This sequence change affects an acceptor splice site in intron 7 of the SLX4 gene. It is expected to disrupt RNA splicing. Variants that disrupt the donor or acceptor splice site typically lead to a loss of protein function (PMID: 16199547), and loss-of-function variants in SLX4 are known to be pathogenic (PMID: 21240277).

Literature cited by the submitters: PubMed 16199547; PubMed 21240277.

NM_032444.4(SLX4):c.1684-2A>C

Gene: SLX4 (SLX4 structure-specific endonuclease subunit; minus strand). Cytogenetic location: 16p13.3.
Variant type: single nucleotide variant.
Coding change: c.1684-2A>C on transcript NM_032444.4 (MANE Select); the canonical splice acceptor site of the intron before coding-DNA position 1684, A replaced by C.
Molecular consequence: splice acceptor variant.
Genome position (GRCh38, 1-based): chr16:3,596,395, T>G on the plus strand (A>C on the coding strand, the complement: SLX4 is on the minus strand). VCF-style: chr16-3596395-T-G. GRCh37 (hg19) VCF-style: chr16-3646396-T-G.
Identifiers: ClinVar variation 2033911 (VCV002033911.4), dbSNP rs2151130294, ClinGen allele CA394527896.
Genomic context (GRCh38, chr16:3,596,395, plus strand): 5'-TCGCTCAGCTCTGAGTGCTCAGGTGGCACCAGAGGCGGCACGGGCTCCTGCATAAGGCCC[T>G]GAAAGAAGCCAGTAAGGAGAGTGACCACGTGGTCACTGTCATTGACGCACACACTGCAGA-3'